The following is an entry in ClinVar:

ClinVar aggregate classification (germline): Uncertain significance (1 of 4 stars; one submission).

Allele frequency attached by ClinVar (database versions not stated): TOPMed below 0.00001.

Submission:

Labcorp Genetics (formerly Invitae), Labcorp
Classification: Uncertain significance. Last evaluated: 2023-11-21. Review status: criteria provided, single submitter. Criteria: Invitae Variant Classification Sherloc (09022015). Collection method: clinical testing. Allele origin: germline.
Comment: This sequence change replaces aspartic acid, which is acidic and polar, with asparagine, which is neutral and polar, at codon 96 of the MRPL40 protein (p.Asp96Asn). This variant is not present in population databases (gnomAD no frequency). This variant has not been reported in the literature in individuals affected with MRPL40-related conditions. Algorithms developed to predict the effect of missense changes on protein structure and function output the following: SIFT: "Not Available"; PolyPhen-2: "Benign"; Align-GVGD: "Not Available". The asparagine amino acid residue is found in multiple mammalian species, which suggests that this missense change does not adversely affect protein function. In summary, the available evidence is currently insufficient to determine the role of this variant in disease. Therefore, it has been classified as a Variant of Uncertain Significance.

NM_003776.4(MRPL40):c.286G>A (p.Asp96Asn)

Gene: MRPL40 (mitochondrial ribosomal protein L40; plus strand). Cytogenetic location: 22q11.21.
Variant type: single nucleotide variant.
Coding change: c.286G>A on transcript NM_003776.4 (MANE Select); coding-DNA position 286, G replaced by A.
Protein change: p.Asp96Asn; replaces aspartic acid 96 with asparagine.
Molecular consequence: missense variant.
Genome position (GRCh38, 1-based): chr22:19,434,884, G>A. VCF-style: chr22-19434884-G-A. GRCh37 (hg19) VCF-style: chr22-19422407-G-A.
Other names: c.154G>A, p.Asp52Asn (NM_001318151.2); short protein forms D52N, D96N.
Identifiers: ClinVar variation 2793262 (VCV002793262.3), dbSNP rs2089577180, ClinGen allele CA410666915.